The following is an entry in ClinVar:

NM_172107.4(KCNQ2):c.1526-8dup

Gene: KCNQ2 (potassium voltage-gated channel subfamily Q member 2; minus strand). Cytogenetic location: 20q13.33.
Variant type: Duplication.
Coding change: c.1526-8dup on transcript NM_172107.4 (MANE Select); 8 bases into the intron before coding-DNA position 1526, one base duplicated (C; older notation c.1526-8dupC).
Molecular consequence: intron variant.
Genome position (GRCh38, 1-based): chr20:63,414,196, G duplicated on the plus strand (C on the coding strand, the reverse complement: KCNQ2 is on the minus strand); the first of 6 consecutive G bases (chr20:63,414,196-63,414,201); duplicating any one gives the same sequence. VCF-style (leftmost placement, unchanged base first): chr20-63414195-T-TG. GRCh37 (hg19) VCF-style: chr20-62045548-T-TG.
Other names: c.1442-8dup (NM_004518.6); c.1436-11dup (NM_172108.5); c.1472-8dup (NM_172106.3); c.1526-3dupC (NM_172107.2).
Identifiers: ClinVar variation 421867 (VCV000421867.10), dbSNP rs974502886, ClinGen allele CA16620964.
Genomic context (GRCh38, chr20:63,414,195, plus strand): 5'-CACAAACTCGCAGGGGCAGCTCTTGTCATCCACAATGTCCTCTCCGGGGAGGCTTGCTTC[T>TG]GGGGGGAAGGAGACAGGCCGTGAGGGGCCGAGGGGGCCGGGAGACCTATTCCCGGGGTCC-3'

ClinVar aggregate classification (germline): Benign/Likely benign. Review status: criteria provided, multiple submitters, no conflicts (2 of 4 stars). 2 submissions from 2 submitters: Benign (1); Likely benign (1). Last evaluated 2023-12-06.

Conditions:
Early-infantile DEE. Also called: Early infantile epileptic encephalopathy with suppression bursts; Early infantile epileptic encephalopathy; Ohtahara syndrome. Identifiers: Orphanet 1934, MedGen C0393706, MONDO:0800491.

Submissions (2):

Labcorp Genetics (formerly Invitae), Labcorp
Classification: Benign for Early-infantile DEE. Last evaluated: 2023-12-06. Review status: criteria provided, single submitter. Criteria: Invitae Variant Classification Sherloc (09022015). Collection method: clinical testing. Allele origin: germline.

GeneDx
Classification: Likely benign. Last evaluated: 2016-12-20. Review status: criteria provided, single submitter. Criteria: GeneDx Variant Classification (06012015). Collection method: clinical testing. Allele origin: germline. Affected: yes.
Comment: This variant is considered likely benign or benign based on one or more of the following criteria: it is a conservative change, it occurs at a poorly conserved position in the protein, it is predicted to be benign by multiple in silico algorithms, and/or has population frequency not consistent with disease.